The following is an entry in ClinVar:

ClinVar aggregate classification (germline): Uncertain significance (1 of 4 stars; one submission).

Conditions:
Norman-Roberts syndrome (LIS2). Also called: Lissencephaly 2 (Norman-Roberts type). Identifiers: Orphanet 89844, MedGen C0796089, MONDO:0009760, OMIM 257320.
Familial temporal lobe epilepsy 7. Identifiers: Orphanet 101046, MedGen C4225327, MONDO:0014639, OMIM 616436.

Submission:

Labcorp Genetics (formerly Invitae), Labcorp
Classification: Uncertain significance for Familial temporal lobe epilepsy 7; Norman-Roberts syndrome. Last evaluated: 2025-05-01. Review status: criteria provided, single submitter. Criteria: Invitae Variant Classification Sherloc (09022015). Collection method: clinical testing. Allele origin: germline.
Comment: This sequence change replaces proline, which is neutral and non-polar, with alanine, which is neutral and non-polar, at codon 1912 of the RELN protein (p.Pro1912Ala). This variant is not present in population databases (gnomAD no frequency). This variant has not been reported in the literature in individuals affected with RELN-related conditions. Invitae Evidence Modeling of protein sequence and biophysical properties (such as structural, functional, and spatial information, amino acid conservation, physicochemical variation, residue mobility, and thermodynamic stability) indicates that this missense variant is not expected to disrupt RELN protein function with a negative predictive value of 80%. In summary, the available evidence is currently insufficient to determine the role of this variant in disease. Therefore, it has been classified as a Variant of Uncertain Significance.

NM_005045.4(RELN):c.5734C>G (p.Pro1912Ala)

Gene: RELN (reelin; minus strand). Cytogenetic location: 7q22.1.
Variant type: single nucleotide variant.
Coding change: c.5734C>G on transcript NM_005045.4 (MANE Select); coding-DNA position 5734, C replaced by G.
Protein change: p.Pro1912Ala; replaces proline 1912 with alanine.
Molecular consequence: missense variant.
Genome position (GRCh38, 1-based): chr7:103,557,040, G>C on the plus strand (C>G on the coding strand, the complement: RELN is on the minus strand). VCF-style: chr7-103557040-G-C. GRCh37 (hg19) VCF-style: chr7-103197487-G-C.
Other names: c.5734C>G, p.Pro1912Ala (NM_173054.3); short protein forms P1912A.
Identifiers: ClinVar variation 4790184 (VCV004790184.1).